The following is an entry in ClinVar:

NM_000020.3(ACVRL1):c.1122del (p.Tyr375fs)

Gene: ACVRL1 (activin A receptor like type 1; plus strand). Cytogenetic location: 12q13.13.
Variant type: Deletion.
Coding change: c.1122del on transcript NM_000020.3 (MANE Select); coding-DNA position 1122, one base deleted (G; older notation c.1122delG).
Protein change: p.Tyr375fs; shifts the reading frame from tyrosine 375.
Molecular consequence: frameshift variant.
Genome position (GRCh38, 1-based): chr12:51,916,109, G deleted; the last of 2 consecutive G bases (chr12:51,916,108-51,916,109); deleting either gives the same sequence. VCF-style (leftmost placement, unchanged base first): chr12-51916107-CG-C. GRCh37 (hg19) VCF-style: chr12-52309891-CG-C.
Other names: c.1122del, p.Tyr375fs (NM_001077401.2); c.1122delG (NM_000020.2); short protein forms Y375fs.
Identifiers: ClinVar variation 212808 (VCV000212808.4), dbSNP rs863223418, ClinGen allele CA320332.

ClinVar aggregate classification (germline): Pathogenic. Review status: criteria provided, multiple submitters, no conflicts (2 of 4 stars). 2 submissions from 2 submitters: Pathogenic (2). Last evaluated 2021-03-17.

Conditions:
Cardiovascular phenotype. Identifiers: MedGen CN230736.

Submissions (2):

Ambry Genetics
Classification: Pathogenic for Cardiovascular phenotype. Last evaluated: 2021-03-17. Review status: criteria provided, single submitter. Criteria: Ambry Variant Classification Scheme 2023. Collection method: clinical testing. Allele origin: germline.
Comment: The c.1122delG pathogenic mutation, located in coding exon 7 of the ACVRL1 gene, results from a deletion of one nucleotide at nucleotide position 1122, causing a translational frameshift with a predicted alternate stop codon (p.Y375Tfs*40). This alteration is expected to result in loss of function by premature protein truncation or nonsense-mediated mRNA decay. As such, this alteration is interpreted as a disease-causing mutation.

GeneDx
Classification: Pathogenic. Last evaluated: 2014-04-09. Review status: criteria provided, single submitter. Criteria: GeneDx Variant Classification (06012015). Collection method: clinical testing. Allele origin: germline. Affected: yes.
Comment: Although the c.1122delG mutation in the ACVRL1 gene has not been reported to our knowledge, this mutation causes a shift in reading frame starting at residue Tyrosine375, changing it to a Threonine, and creating a premature stop codon at position 40 of the new reading frame, denoted p.Tyr375ThrfsX40. This mutation is expected to result in either an abnormal, truncated protein product or loss of protein from this allele through nonsense-mediated mRNA decay. Other frameshift mutations in the ACVRL1 gene have been reported in association with HHT. In summary, c.1122delG in the ACVRL1 gene is interpreted as a disease-causing mutation.